The following is an entry in ClinVar:

ClinVar aggregate classification (germline): Uncertain significance. Review status: criteria provided, multiple submitters, no conflicts (2 of 4 stars). 2 submissions from 2 submitters: Uncertain significance (2). Last evaluated 2025-01-02.

Conditions:
Hereditary spastic paraplegia 74. Also called: Spastic paraplegia 74, autosomal recessive. Identifiers: Orphanet 468661, MedGen C5568837, MONDO:0014644, OMIM 616451.
Multiple mitochondrial dysfunctions syndrome 3 (MMDS3). Identifiers: Orphanet 363424, MedGen C3809165, MONDO:0014132, OMIM 615330.

Submissions (2):

Mayo Clinic Laboratories, Mayo Clinic
Classification: Uncertain significance. Last evaluated: 2025-01-02. Review status: criteria provided, single submitter. Criteria: ACMG Guidelines, 2015. Collection method: clinical testing. Allele origin: germline. Observed: 1 variant allele.
Comment: BP4, PM2_supporting

Labcorp Genetics (formerly Invitae), Labcorp
Classification: Uncertain significance for Multiple mitochondrial dysfunctions syndrome 3; Hereditary spastic paraplegia 74. Last evaluated: 2021-12-15. Review status: criteria provided, single submitter. Criteria: Invitae Variant Classification Sherloc (09022015). Collection method: clinical testing. Allele origin: germline.
Comment: In summary, the available evidence is currently insufficient to determine the role of this variant in disease. Therefore, it has been classified as a Variant of Uncertain Significance. This sequence change replaces threonine, which is neutral and polar, with serine, which is neutral and polar, at codon 11 of the IBA57 protein (p.Thr11Ser). This variant is not present in population databases (gnomAD no frequency). This variant has not been reported in the literature in individuals affected with IBA57-related conditions. Algorithms developed to predict the effect of missense changes on protein structure and function output the following: SIFT: "Tolerated"; PolyPhen-2: "Benign"; Align-GVGD: "Class C0". The serine amino acid residue is found in multiple mammalian species, which suggests that this missense change does not adversely affect protein function.

NM_001010867.4(IBA57):c.31A>T (p.Thr11Ser)

Gene: IBA57 (iron-sulfur cluster assembly factor IBA57; plus strand). Cytogenetic location: 1q42.13.
Variant type: single nucleotide variant.
Coding change: c.31A>T on transcript NM_001010867.4 (MANE Select); coding-DNA position 31, A replaced by T.
Protein change: p.Thr11Ser; replaces threonine 11 with serine.
Molecular consequence: missense variant.
Genome position (GRCh38, 1-based): chr1:228,165,847, A>T. VCF-style: chr1-228165847-A-T. GRCh37 (hg19) VCF-style: chr1-228353548-A-T.
Other names: p.Thr11Ser; short protein forms T11S.
Identifiers: ClinVar variation 1410916 (VCV001410916.7), dbSNP rs2034839816, ClinGen allele CA345104152.